The following is an entry in ClinVar:

NM_181552.4(CUX1):c.466C>T (p.Gln156Ter)

Gene: CUX1 (cut like homeobox 1; plus strand). Cytogenetic location: 7q22.1.
Variant type: single nucleotide variant.
Coding change: c.466C>T on transcript NM_181552.4 (MANE Select); coding-DNA position 466, C replaced by T.
Protein change: p.Gln156Ter; replaces glutamine 156 with a stop codon.
Molecular consequence: nonsense.
Genome position (GRCh38, 1-based): chr7:102,104,395, C>T. VCF-style: chr7-102104395-C-T. GRCh37 (hg19) VCF-style: chr7-101747675-C-T.
Other names: c.499C>T, p.Gln167Ter (NM_001202543.2, NM_001913.5, NM_181500.4); c.451C>T, p.Gln151Ter (NM_001202544.3); c.361C>T, p.Gln121Ter (NM_001202545.3); c.388C>T, p.Gln130Ter (NM_001202546.3); short protein forms Q121*, Q130*, Q151*, Q156*, Q167*.
Identifiers: ClinVar variation 4532046 (VCV004532046.1).

ClinVar aggregate classification (germline): Pathogenic (1 of 4 stars; one submission).

Conditions:
Global developmental delay with or without impaired intellectual development. Identifiers: MedGen C5193032, MONDO:0032680, OMIM 618330.

Submission:

Victorian Clinical Genetics Services, Murdoch Childrens Research Institute
Classification: Pathogenic for Global developmental delay with or without impaired intellectual development. Last evaluated: 2024-12-23. Review status: criteria provided, single submitter. Criteria: ACMG Guidelines, 2015. Collection method: clinical testing. Allele origin: germline. Affected: yes.
Comment: This variant is classified as Pathogenic. Evidence in support of pathogenic classification: Variant is predicted to cause nonsense-mediated decay (NMD) and loss of protein (premature termination codon is located at least 54 nucleotides upstream of the final exon-exon junction); Variant is present in gnomAD <0.001 for a dominant condition (v4: 1 heterozygote(s), 0 homozygote(s)); Other NMD-predicted variant(s) comparable to the one identified in this case have very strong previous evidence for pathogenicity (ClinVar). Additional information: This variant is heterozygous; This gene is associated with autosomal dominant disease; This variant has no previous evidence of pathogenicity; No published segregation evidence has been identified for this variant; No published functional evidence has been identified for this variant; Loss of function is a known mechanism of disease in this gene and is associated with global developmental delay with or without impaired intellectual development, (MIM#618330); Inheritance information for this variant is not currently available in this individual.